The following is an entry in ClinVar:

NM_152564.5(VPS13B):c.7543G>C (p.Gly2515Arg)

Gene: VPS13B (vacuolar protein sorting 13 homolog B; plus strand). Cytogenetic location: 8q22.2.
Variant type: single nucleotide variant.
Coding change: c.7543G>C on transcript NM_152564.5 (MANE Select); coding-DNA position 7543, G replaced by C.
Protein change: p.Gly2515Arg; replaces glycine 2515 with arginine.
Molecular consequence: missense variant.
Genome position (GRCh38, 1-based): chr8:99,778,795, G>C. VCF-style: chr8-99778795-G-C. GRCh37 (hg19) VCF-style: chr8-100791023-G-C.
Other names: c.7618G>C, p.Gly2540Arg (NM_017890.5); short protein forms G2540R, G2515R.
Identifiers: ClinVar variation 3718255 (VCV003718255.2).

ClinVar aggregate classification (germline): Uncertain significance (1 of 4 stars; one submission).

Conditions:
Cohen syndrome (COH1). Also called: PEPPER SYNDROME; Cutis verticis gyrata, retinitis pigmentosa, and sensorineural deafness. Identifiers: Orphanet 193, MedGen C0265223, MONDO:0008999, OMIM 216550.

Submission:

Labcorp Genetics (formerly Invitae), Labcorp
Classification: Uncertain significance for Cohen syndrome. Last evaluated: 2025-01-22. Review status: criteria provided, single submitter. Criteria: Invitae Variant Classification Sherloc (09022015). Collection method: clinical testing. Allele origin: germline.
Comment: This sequence change replaces glycine, which is neutral and non-polar, with arginine, which is basic and polar, at codon 2540 of the VPS13B protein (p.Gly2540Arg). This variant is not present in population databases (gnomAD no frequency). This variant has not been reported in the literature in individuals affected with VPS13B-related conditions. Invitae Evidence Modeling of protein sequence and biophysical properties (such as structural, functional, and spatial information, amino acid conservation, physicochemical variation, residue mobility, and thermodynamic stability) indicates that this missense variant is not expected to disrupt VPS13B protein function with a negative predictive value of 80%. In summary, the available evidence is currently insufficient to determine the role of this variant in disease. Therefore, it has been classified as a Variant of Uncertain Significance.